The following is an entry in ClinVar:

NM_001127198.5(TMC6):c.52C>A (p.Gln18Lys)

Gene: TMC6 (transmembrane channel like 6; minus strand). Cytogenetic location: 17q25.3.
Variant type: single nucleotide variant.
Coding change: c.52C>A on transcript NM_001127198.5 (MANE Select); coding-DNA position 52, C replaced by A.
Protein change: p.Gln18Lys; replaces glutamine 18 with lysine.
Molecular consequence: missense variant.
Genome position (GRCh38, 1-based): chr17:78,126,781, G>T on the plus strand (C>A on the coding strand, the complement: TMC6 is on the minus strand). VCF-style: chr17-78126781-G-T. GRCh37 (hg19) VCF-style: chr17-76122862-G-T.
Other names: c.52C>A, p.Gln18Lys (NM_001321185.1, NM_001374593.1, NM_001374594.1 and 4 more transcripts); c.52C>A (NM_007267.6); short protein forms Q18K.
Identifiers: ClinVar variation 1011476 (VCV001011476.12), dbSNP rs1568004262, ClinGen allele CA401237092.

ClinVar aggregate classification (germline): Uncertain significance. Review status: criteria provided, multiple submitters, no conflicts (2 of 4 stars). 2 submissions from 2 submitters: Uncertain significance (2). Last evaluated 2024-06-16.

Conditions:
Inborn genetic diseases. Identifiers: MedGen C0950123, MeSH D030342.
Epidermodysplasia verruciformis. Identifiers: Orphanet 302, MedGen C0014522, MONDO:0009176.

Allele frequency attached by ClinVar (database versions not stated): gnomAD exomes below 0.00001; TOPMed below 0.00001.
gnomAD v4.1: 2 of 1,613,206 alleles (0.00012%); highest among the groups gnomAD compares: Non-Finnish European, 0.00017%; no homozygotes.

Submissions (2):

Ambry Genetics
Classification: Uncertain significance for Inborn genetic diseases. Last evaluated: 2024-06-16. Review status: criteria provided, single submitter. Criteria: Ambry Variant Classification Scheme 2023. Collection method: clinical testing. Allele origin: germline.

Labcorp Genetics (formerly Invitae), Labcorp
Classification: Uncertain significance for Epidermodysplasia verruciformis. Last evaluated: 2023-05-22. Review status: criteria provided, single submitter. Criteria: Invitae Variant Classification Sherloc (09022015). Collection method: clinical testing. Allele origin: germline.
Comment: This sequence change replaces glutamine, which is neutral and polar, with lysine, which is basic and polar, at codon 18 of the TMC6 protein (p.Gln18Lys). In summary, the available evidence is currently insufficient to determine the role of this variant in disease. Therefore, it has been classified as a Variant of Uncertain Significance. An algorithm developed to predict the effect of missense changes on protein structure and function (PolyPhen-2) suggests that this variant is likely to be tolerated. ClinVar contains an entry for this variant (Variation ID: 1011476). This variant has not been reported in the literature in individuals affected with TMC6-related conditions. This variant is not present in population databases (gnomAD no frequency).